The following is an entry in ClinVar:

NM_000077.5(CDKN2A):c.-1C>T

Genes: CDKN2A (cyclin dependent kinase inhibitor 2A; minus strand), LOC130001603 (ATAC-STARR-seq lymphoblastoid silent region 19811; plus strand). Cytogenetic location: 9p21.3.
Variant type: single nucleotide variant.
Coding change: c.-1C>T on transcript NM_000077.5; 1 bases upstream of the start codon, C replaced by T.
Molecular consequence: 5 prime UTR variant (on NM_001195132.2). On other transcripts: intron variant (2).
Genome position (GRCh38, 1-based): chr9:21,974,828, G>A on the plus strand (C>T on the coding strand, the complement: CDKN2A is on the minus strand). VCF-style: chr9-21974828-G-A. GRCh37 (hg19) VCF-style: chr9-21974827-G-A.
Other names: c.-1C>T (NM_000077.6, NM_001195132.2, NM_058197.5); c.-3-3620C>T (NM_001363763.2); c.194-3620C>T (NM_058195.4).
Identifiers: ClinVar variation 2625893 (VCV002625893.2), dbSNP rs2131114314, ClinGen allele CA2582341986.
Genomic context (GRCh38, chr9:21,974,828, plus strand): 5'-CGCGGCCGTGGCCAGCCAGTCAGCCGAAGGCTCCATGCTGCTCCCCGCCGCCGGCTCCAT[G>A]CTGCTCCCCGCCGCCCGCTGCCTGCTCTCCCCCTCTCCGCAGCCGCCGAGCGCACGCGGT-3'

ClinVar aggregate classification (germline): Uncertain significance (1 of 4 stars; one submission).

Conditions:
Hereditary cancer-predisposing syndrome. Also called: Tumor predisposition; Neoplastic Syndromes, Hereditary; Hereditary Cancer Syndrome; Hereditary neoplastic syndrome. Identifiers: Orphanet 140162, MedGen C0027672, MeSH D009386, MONDO:0015356.

Submission:

Ambry Genetics
Classification: Uncertain significance for Hereditary cancer-predisposing syndrome. Last evaluated: 2023-08-29. Review status: criteria provided, single submitter. Criteria: Ambry Variant Classification Scheme 2023. Collection method: clinical testing. Allele origin: germline.
Comment: The c.-1C>T variant is located in the 5' untranslated region (5&rsquo; UTR) of the CDKN2A gene. This variant results from a C to T substitution 1 bases upstream from the first translated codon. This nucleotide position is well conserved in available vertebrate species. Since supporting evidence is limited at this time, the clinical significance of this alteration remains unclear.